The following is an entry in ClinVar:

ClinVar aggregate classification (germline): Benign/Likely benign. Review status: criteria provided, multiple submitters, no conflicts (2 of 4 stars). 6 submissions from 6 submitters: Benign (1); Likely benign (4). 1 of the submissions does not count toward it. Last evaluated 2026-05-01.

Conditions:
KAT6A-related disorder. Also called: KAT6A-related condition.
Inborn genetic diseases. Identifiers: MedGen C0950123, MeSH D030342.

Submissions (6):

CeGaT Center for Human Genetics Tuebingen
Classification: Likely benign. Last evaluated: 2026-05-01. Review status: criteria provided, single submitter. Criteria: CeGaT Center For Human Genetics Tuebingen Variant Classification Criteria Version 2. Collection method: clinical testing. Allele origin: germline. Affected: yes. Observed: 9 variant alleles.
Comment: KAT6A: BS1

Labcorp Genetics (formerly Invitae), Labcorp
Classification: Likely benign. Last evaluated: 2026-01-22. Review status: criteria provided, single submitter. Criteria: Invitae Variant Classification Sherloc (09022015). Collection method: clinical testing. Allele origin: germline.

Blueprint Genetics
Classification: Likely benign. Last evaluated: 2024-11-21. Review status: criteria provided, single submitter. Criteria: ACMG Guidelines, 2015. Collection method: clinical testing. Allele origin: germline.

Ambry Genetics
Classification: Likely benign for Inborn genetic diseases. Last evaluated: 2021-11-03. Review status: criteria provided, single submitter. Criteria: Ambry Variant Classification Scheme 2023. Collection method: clinical testing. Allele origin: germline.

GeneDx
Classification: Benign. Last evaluated: 2019-07-03. Review status: criteria provided, single submitter. Criteria: GeneDx Variant Classification Process June 2021. Collection method: clinical testing. Allele origin: germline. Affected: yes.

PreventionGenetics, part of Exact Sciences
Classification: Likely benign for KAT6A-related condition. Last evaluated: 2022-01-06. Review status: no assertion criteria provided. Collection method: clinical testing. Allele origin: germline. Not counted in ClinVar's aggregate classification.
Comment: This variant is classified as likely benign based on ACMG/AMP sequence variant interpretation guidelines (Richards et al. 2015 PMID: 25741868, with internal and published modifications).

NM_006766.5(KAT6A):c.4953_4976del (p.Pro1652_Pro1659del)

Gene: KAT6A (lysine acetyltransferase 6A; minus strand). Cytogenetic location: 8p11.21.
Variant type: Deletion.
Coding change: c.4953_4976del on transcript NM_006766.5 (MANE Select); coding-DNA positions 4953 to 4976, 24 bases deleted (GCCACCACCGCCTCCACAGCAGCC).
Protein change: p.Pro1652_Pro1659del.
Molecular consequence: inframe deletion.
Genome position (GRCh38, 1-based): chr8:41,933,244-41,933,267, GGCTGCTGTGGAGGCGGTGGTGGC deleted on the plus strand (GCCACCACCGCCTCCACAGCAGCC on the coding strand, the reverse complement: KAT6A is on the minus strand); deleting any 24 consecutive bases within chr8:41,933,244-41,933,275 gives the same sequence; the c. name uses the placement nearest the transcript's 3' end. VCF-style (leftmost placement, unchanged base first): chr8-41933243-TGGCTGCTGTGGAGGCGGTGGTGGC-T. GRCh37 (hg19) VCF-style: chr8-41790761-TGGCTGCTGTGGAGGCGGTGGTGGC-T.
Other names: c.4953_4976del24 (NM_006766.3, NM_006766.4).
Identifiers: ClinVar variation 588080 (VCV000588080.39), dbSNP rs779701073, ClinGen allele CA4729393.